The following is an entry in ClinVar:

ClinVar aggregate classification (germline): Pathogenic (1 of 4 stars; one submission).

Submission:

Labcorp Genetics (formerly Invitae), Labcorp
Classification: Pathogenic. Last evaluated: 2024-05-20. Review status: criteria provided, single submitter. Criteria: Invitae Variant Classification Sherloc (09022015). Collection method: clinical testing. Allele origin: germline.
Comment: This sequence change creates a premature translational stop signal (p.Arg435*) in the MSN gene. It is expected to result in an absent or disrupted protein product. Loss-of-function variants in MSN are known to be pathogenic (PMID: 27405666). This variant is not present in population databases (gnomAD no frequency). This variant has not been reported in the literature in individuals affected with MSN-related conditions. ClinVar contains an entry for this variant (Variation ID: 2101770). For these reasons, this variant has been classified as Pathogenic.

Literature cited by the submitters: PubMed 27405666.

NM_002444.3(MSN):c.1303C>T (p.Arg435Ter)

Gene: MSN (moesin; plus strand). Cytogenetic location: Xq12.
Variant type: single nucleotide variant.
Coding change: c.1303C>T on transcript NM_002444.3 (MANE Select); coding-DNA position 1303, C replaced by T.
Protein change: p.Arg435Ter; replaces arginine 435 with a stop codon.
Molecular consequence: nonsense.
Genome position (GRCh38, 1-based): chrX:65,738,576, C>T. VCF-style: chrX-65738576-C-T. GRCh37 (hg19) VCF-style: chrX-64958438-C-T.
Other names: short protein forms R435*.
Identifiers: ClinVar variation 2101770 (VCV002101770.4), dbSNP rs2523021283, ClinGen allele CA413413727.
Genomic context (GRCh38, chrX:65,738,576, plus strand): 5'-TATCCGTAGGCCTTGGAAATGGCAGAGCTGACAGCTCGAATCTCCCAGCTGGAGATGGCC[C>T]GACAGAAGAAGGAGAGTGAGGCTGTGGAGTGGCAGCAGAAGGTAAGACACAGGGCCTAAA-3'